The following is an entry in ClinVar:

ClinVar aggregate classification (germline): Likely benign. Review status: criteria provided, multiple submitters, no conflicts (2 of 4 stars). 2 submissions from 2 submitters: Likely benign (2). Last evaluated 2025-06-22.

Conditions:
Thrombocytopenia 1. Also called: X-linked thrombocytopenia with normal platelets; THROMBOCYTOPENIA, X-LINKED, 1; X-Linked Thrombocytopenia (XLT). Identifiers: Orphanet 268322, Orphanet 852, MedGen C1839163, MONDO:0010743, OMIM 313900.
Wiskott-Aldrich syndrome (WAS). Also called: ALDRICH SYNDROME; IMMUNODEFICIENCY 2; WISKOTT-ALDRICH SYNDROME 1; Wiskott-aldrich syndrome, somatic. Identifiers: Orphanet 906, MedGen C0043194, MONDO:0010518, OMIM 301000.
X-linked severe congenital neutropenia (SCNX). Identifiers: Orphanet 86788, MedGen C1845987, MONDO:0010294, OMIM 300299.

Submissions (2):

Labcorp Genetics (formerly Invitae), Labcorp
Classification: Likely benign for Wiskott-Aldrich syndrome; X-linked severe congenital neutropenia; Thrombocytopenia 1. Last evaluated: 2025-06-22. Review status: criteria provided, single submitter. Criteria: Invitae Variant Classification Sherloc (09022015). Collection method: clinical testing. Allele origin: germline.

CeGaT Center for Human Genetics Tuebingen
Classification: Likely benign. Last evaluated: 2024-09-01. Review status: criteria provided, single submitter. Criteria: CeGaT Center For Human Genetics Tuebingen Variant Classification Criteria Version 2. Collection method: clinical testing. Allele origin: germline. Affected: yes. Observed: 1 variant allele.
Comment: WAS: BP4, BP7

NM_000377.3(WAS):c.1116T>A (p.Pro372=)

Gene: WAS (WASP actin nucleation promoting factor; plus strand). Cytogenetic location: Xp11.23.
Variant type: single nucleotide variant.
Coding change: c.1116T>A on transcript NM_000377.3 (MANE Select); coding-DNA position 1116, T replaced by A.
Protein change: p.Pro372=; no amino-acid change (proline 372 retained).
Molecular consequence: synonymous variant.
Genome position (GRCh38, 1-based): chrX:48,688,844, T>A. VCF-style: chrX-48688844-T-A. GRCh37 (hg19) VCF-style: chrX-48547233-T-A.
Identifiers: ClinVar variation 2925085 (VCV002925085.17), dbSNP rs1409684725, ClinGen allele CA516356450.